The following is an entry in ClinVar:

NM_001367624.2(ZNF469):c.1132A>T (p.Lys378Ter)

Gene: ZNF469 (zinc finger protein 469; plus strand). Cytogenetic location: 16q24.2.
Variant type: single nucleotide variant.
Coding change: c.1132A>T on transcript NM_001367624.2 (MANE Select); coding-DNA position 1132, A replaced by T.
Protein change: p.Lys378Ter; replaces lysine 378 with a stop codon.
Molecular consequence: nonsense.
Genome position (GRCh38, 1-based): chr16:88,428,602, A>T. VCF-style: chr16-88428602-A-T. GRCh37 (hg19) VCF-style: chr16-88495010-A-T.
Other names: short protein forms K378*.
Identifiers: ClinVar variation 3701011 (VCV003701011.2).

ClinVar aggregate classification (germline): Pathogenic (1 of 4 stars; one submission).

Submission:

Labcorp Genetics (formerly Invitae), Labcorp
Classification: Pathogenic. Last evaluated: 2024-11-14. Review status: criteria provided, single submitter. Criteria: Invitae Variant Classification Sherloc (09022015). Collection method: clinical testing. Allele origin: germline.
Comment: This sequence change creates a premature translational stop signal (p.Lys378*) in the ZNF469 gene. It is expected to result in an absent or disrupted protein product. Loss-of-function variants in ZNF469 are known to be pathogenic (PMID: 23642083, 23680354). This variant is not present in population databases (gnomAD no frequency). This variant has not been reported in the literature in individuals affected with ZNF469-related conditions. For these reasons, this variant has been classified as Pathogenic.

Literature cited by the submitters: PubMed 23642083; PubMed 23680354.